The following is an entry in ClinVar:

NM_006031.6(PCNT):c.3423del (p.Ser1142fs)

Gene: PCNT (pericentrin; plus strand). Cytogenetic location: 21q22.3.
Variant type: Deletion.
Coding change: c.3423del on transcript NM_006031.6 (MANE Select); coding-DNA position 3423, one base deleted (C; older notation c.3423delC).
Protein change: p.Ser1142fs; shifts the reading frame from serine 1142.
Molecular consequence: frameshift variant.
Genome position (GRCh38, 1-based): chr21:46,385,942, C deleted. VCF-style (leftmost placement, unchanged base first): chr21-46385941-TC-T. GRCh37 (hg19) VCF-style: chr21-47805856-TC-T.
Other names: c.3069del, p.Ser1024fs (NM_001315529.2); short protein forms S1024fs, S1142fs.
Identifiers: ClinVar variation 930482 (VCV000930482.3), dbSNP rs2085816295, ClinGen allele CA1139666930.

ClinVar aggregate classification (germline): Likely pathogenic (1 of 4 stars; one submission).

Conditions:
Microcephalic osteodysplastic primordial dwarfism type II (MOPD2). Also called: MOPD II; OSTEODYSPLASTIC PRIMORDIAL DWARFISM, TYPE II; Microcephalic osteodysplastic primordial dwarfism with tooth abnormalities. Identifiers: Orphanet 2637, MedGen C0432246, MONDO:0008872, OMIM 210720.

Submission:

Centre for Mendelian Genomics, University Medical Centre Ljubljana
Classification: Likely pathogenic for Microcephalic osteodysplastic primordial dwarfism type II. Last evaluated: 2019-10-01. Review status: criteria provided, single submitter. Criteria: ACMG Guidelines, 2015. Collection method: clinical testing. Allele origin: unknown. Affected: yes.
Comment: This variant was classified as: Likely pathogenic. The following ACMG criteria were applied in classifying this variant: PVS1,PM2.